The following is an entry in ClinVar:

ClinVar aggregate classification (germline): Uncertain significance. Review status: criteria provided, multiple submitters, no conflicts (2 of 4 stars). 2 submissions from 2 submitters: Uncertain significance (2). Last evaluated 2024-04-29.

Conditions:
Inborn genetic diseases. Identifiers: MedGen C0950123, MeSH D030342.

Allele frequency attached by ClinVar (database versions not stated): gnomAD exomes below 0.00001.
gnomAD v4.1: 1 of 1,604,660 alleles (0.000062%); highest among the groups gnomAD compares: East Asian, 0.0022%; no homozygotes.

Submissions (2):

Ambry Genetics
Classification: Uncertain significance for Inborn genetic diseases. Last evaluated: 2024-04-29. Review status: criteria provided, single submitter. Criteria: Ambry Variant Classification Scheme 2023. Collection method: clinical testing. Allele origin: germline.

Laboratory for Molecular Medicine, Mass General Brigham Personalized Medicine
Classification: Uncertain significance. Last evaluated: 2013-08-16. Review status: criteria provided, single submitter. Criteria: LMM Criteria. Collection method: clinical testing. Allele origin: germline. Observed: 1 variant allele.
Comment: Variant classified as Uncertain Significance - Favor Benign. The Leu3197Ser vari ant in GPR98 has not been reported in individuals with hearing loss or in large population studies. Computational analyses (biochemical amino acid properties, c onservation, AlignGVGD, PolyPhen2, and SIFT) do not provide strong support for a n impact to the protein. Of note, medaka has a serine (Ser) at this position des pite high nearby amino acid conservation. In summary, additional data is needed to determine the clinical significance of this variant; however based upon the l ack of conservation and computation analyses, we would lean towards a more likel y benign role.

NM_032119.4(ADGRV1):c.9590T>C (p.Leu3197Ser)

Gene: ADGRV1 (adhesion G protein-coupled receptor V1; plus strand). Cytogenetic location: 5q14.3.
Variant type: single nucleotide variant.
Coding change: c.9590T>C on transcript NM_032119.4 (MANE Select); coding-DNA position 9590, T replaced by C.
Protein change: p.Leu3197Ser; replaces leucine 3197 with serine.
Molecular consequence: missense variant. On other transcripts: non-coding transcript variant (1).
Genome position (GRCh38, 1-based): chr5:90,720,190, T>C. VCF-style: chr5-90720190-T-C. GRCh37 (hg19) VCF-style: chr5-90016007-T-C.
Other names: short protein forms L3197S.
Identifiers: ClinVar variation 179172 (VCV000179172.5), dbSNP rs727504685, ClinGen allele CA183866.
Genomic context (GRCh38, chr5:90,720,190, plus strand): 5'-GTGCTAGACTAGGGGTGCATGTTCAAACCCTGATAACAGTTTTGCAAAACCAGGCCCCTT[T>C]GGGGCTATTCAGTATCTCTGCAGTTGAAAATAGGTATAGTTTATTCATAAGGAAATTATC-3'
Protein context (NP_115495.3, residues 3187-3207): LITVLQNQAP[Leu3197Ser]GLFSISAVEN